The following is an entry in ClinVar:

NM_001040151.2(SCN3B):c.-9C>T

Gene: SCN3B (sodium voltage-gated channel beta subunit 3; minus strand). Cytogenetic location: 11q24.1.
Variant type: single nucleotide variant.
Coding change: c.-9C>T on transcript NM_001040151.2 (MANE Select); 9 bases upstream of the start codon, C replaced by T.
Molecular consequence: 5 prime UTR variant.
Genome position (GRCh38, 1-based): chr11:123,653,810, G>A on the plus strand (C>T on the coding strand, the complement: SCN3B is on the minus strand). VCF-style: chr11-123653810-G-A. GRCh37 (hg19) VCF-style: chr11-123524518-G-A.
Other names: c.-9C>T (NM_018400.4).
Identifiers: ClinVar variation 303193 (VCV000303193.1), dbSNP rs553042856, ClinGen allele CA6334111.

ClinVar aggregate classification (germline): Benign (1 of 4 stars; one submission).

Allele frequency attached by ClinVar (database versions not stated): gnomAD below 0.00001 and 0.00009; TOPMed 0.00001; gnomAD exomes 0.00020 and 0.00035; ExAC 0.00038; 1000 Genomes Project 30x 0.00062; 1000 Genomes Project 0.00080.
gnomAD v4.1: 316 of 1,614,200 alleles (0.02%); highest among the groups gnomAD compares: South Asian, 0.32%; 4 homozygotes.

Submission:

GeneDx
Classification: Benign. Last evaluated: 2015-11-20. Review status: criteria provided, single submitter. Criteria: GeneDx Variant Classification (06012015). Collection method: clinical testing. Allele origin: germline. Affected: yes.
Comment: This variant is considered likely benign or benign based on one or more of the following criteria: it is a conservative change, it occurs at a poorly conserved position in the protein, it is predicted to be benign by multiple in silico algorithms, and/or has population frequency not consistent with disease.